The following is an entry in ClinVar:

ClinVar aggregate classification (germline): Uncertain significance. Review status: criteria provided, multiple submitters, no conflicts (2 of 4 stars). 3 submissions from 3 submitters: Uncertain significance (3). Last evaluated 2025-01-28.

Conditions:
Hereditary cancer-predisposing syndrome. Also called: Hereditary neoplastic syndrome; Tumor predisposition; Neoplastic Syndromes, Hereditary; Hereditary Cancer Syndrome. Identifiers: Orphanet 140162, MedGen C0027672, MeSH D009386, MONDO:0015356.
Bloom syndrome (BLM). Also called: Bloom-Torre-Machacek syndrome. Identifiers: Orphanet 125, MedGen C0005859, MONDO:0008876, OMIM 210900.

Allele frequency attached by ClinVar (database versions not stated): gnomAD exomes below 0.00001; ExAC 0.00001.
gnomAD v4.1: 1 of 1,613,992 alleles (0.000062%); highest among the groups gnomAD compares: Admixed American, 0.0017%; no homozygotes.

Submissions (3):

Labcorp Genetics (formerly Invitae), Labcorp
Classification: Uncertain significance for Bloom syndrome. Last evaluated: 2025-01-28. Review status: criteria provided, single submitter. Criteria: Invitae Variant Classification Sherloc (09022015). Collection method: clinical testing. Allele origin: germline.
Comment: This sequence change replaces serine, which is neutral and polar, with cysteine, which is neutral and slightly polar, at codon 897 of the BLM protein (p.Ser897Cys). This variant is present in population databases (rs750600011, gnomAD 0.003%). This variant has not been reported in the literature in individuals affected with BLM-related conditions. ClinVar contains an entry for this variant (Variation ID: 1698616). Invitae Evidence Modeling of protein sequence and biophysical properties (such as structural, functional, and spatial information, amino acid conservation, physicochemical variation, residue mobility, and thermodynamic stability) has been performed for this missense variant. However, the output from this modeling did not meet the statistical confidence thresholds required to predict the impact of this variant on BLM protein function. RNA analysis performed to evaluate the impact of this missense change on mRNA splicing indicates it does not significantly alter splicing (internal data). In summary, the available evidence is currently insufficient to determine the role of this variant in disease. Therefore, it has been classified as a Variant of Uncertain Significance.

Ambry Genetics
Classification: Uncertain significance for Hereditary cancer-predisposing syndrome. Last evaluated: 2024-09-21. Review status: criteria provided, single submitter. Criteria: Ambry Variant Classification Scheme 2023. Collection method: clinical testing. Allele origin: germline.
Comment: The p.S897C variant (also known as c.2690C>G), located in coding exon 13 of the BLM gene, results from a C to G substitution at nucleotide position 2690. The serine at codon 897 is replaced by cysteine, an amino acid with dissimilar properties. This amino acid position is highly conserved in available vertebrate species. In addition, this alteration is predicted to be deleterious by in silico analysis. Based on the available evidence, the clinical significance of this variant remains unclear.

Women's Health and Genetics/Laboratory Corporation of America, LabCorp
Classification: Uncertain significance. Last evaluated: 2022-06-23. Review status: criteria provided, single submitter. Criteria: LabCorp Variant Classification Summary - May 2015. Collection method: clinical testing. Allele origin: germline.
Comment: Variant summary: BLM c.2690C>G (p.Ser897Cys) results in a non-conservative amino acid change located in the helicase, C-terminal domain (IPR001650) of the encoded protein sequence. Five of five in-silico tools predict a damaging effect of the variant on protein function. The variant allele was found at a frequency of 4e-06 in 251422 control chromosomes. The available data on variant occurrences in the general population are insufficient to allow any conclusion about variant significance. c.2690C>G has been reported in the literature in an individual with metachronous colorectal cancer, without strong evidence for causality (Raskin_2017). This report does not provide unequivocal conclusions about association of the variant with Bloom Syndrome. To our knowledge, no experimental evidence demonstrating an impact on protein function has been reported. No clinical diagnostic laboratories have submitted clinical-significance assessments for this variant to ClinVar after 2014. Based on the evidence outlined above, the variant was classified as uncertain significance.

Literature cited by the submitters: PubMed 29212164 (cited by Women's Health and Genetics/Laboratory Corporation of America, LabCorp).

NM_000057.4(BLM):c.2690C>G (p.Ser897Cys)

Gene: BLM (BLM RecQ like helicase; plus strand). Cytogenetic location: 15q26.1.
Variant type: single nucleotide variant.
Coding change: c.2690C>G on transcript NM_000057.4 (MANE Select); coding-DNA position 2690, C replaced by G.
Protein change: p.Ser897Cys; replaces serine 897 with cysteine.
Molecular consequence: missense variant.
Genome position (GRCh38, 1-based): chr15:90,784,948, C>G. VCF-style: chr15-90784948-C-G. GRCh37 (hg19) VCF-style: chr15-91328178-C-G.
Other names: c.2690C>G, p.Ser897Cys (NM_001287246.2, NM_001287247.2); c.1565C>G, p.Ser522Cys (NM_001287248.2); c.2690C>G (NM_000057.2); short protein forms S522C, S897C.
Identifiers: ClinVar variation 1698616 (VCV001698616.3), dbSNP rs750600011, ClinGen allele CA7738857.
Genomic context (GRCh38, chr15:90,784,948, plus strand): 5'-TCTTGTTTCTCAGTACTCTTGGTTTCTTGGCAGATGATTCAGGGATAATTTACTGCCTCT[C>G]CAGGCGAGAATGTGACACCATGGCTGACACGTTACAGAGAGATGGGCTCGCTGCTCTTGC-3'
Protein context (NP_000048.1, residues 887-907): PYDSGIIYCL[Ser897Cys]RRECDTMADT